The following is an entry in ClinVar:

ClinVar aggregate classification (germline): Likely benign (0 of 4 stars; one submission).

Conditions:
ACTRT1-related disorder. Also called: ACTRT1-related condition.

Allele frequency attached by ClinVar (database versions not stated): gnomAD exomes 0.00008; 1000 Genomes Project 30x 0.00021; 1000 Genomes Project 0.00026; ExAC 0.00032; gnomAD 0.00093; TOPMed 0.00106; ESP Exome Variant Server 0.00170.

Submission:

PreventionGenetics, part of Exact Sciences
Classification: Likely benign for ACTRT1-related condition. Last evaluated: 2019-04-25. Review status: no assertion criteria provided. Collection method: clinical testing. Allele origin: germline.
Comment: This variant is classified as likely benign based on ACMG/AMP sequence variant interpretation guidelines (Richards et al. 2015 PMID: 25741868, with internal and published modifications).

NM_138289.4(ACTRT1):c.37A>G (p.Ile13Val)

Gene: ACTRT1 (actin related protein T1; minus strand). Cytogenetic location: Xq25.
Variant type: single nucleotide variant.
Coding change: c.37A>G on transcript NM_138289.4 (MANE Select); coding-DNA position 37, A replaced by G.
Protein change: p.Ile13Val; replaces isoleucine 13 with valine.
Molecular consequence: missense variant.
Genome position (GRCh38, 1-based): chrX:128,052,170, T>C on the plus strand (A>G on the coding strand, the complement: ACTRT1 is on the minus strand). VCF-style: chrX-128052170-T-C. GRCh37 (hg19) VCF-style: chrX-127186149-T-C.
Other names: short protein forms I13V.
Identifiers: ClinVar variation 3047269 (VCV003047269.2), dbSNP rs143652688, ClinGen allele CA10511352.